The following is an entry in ClinVar:

ClinVar aggregate classification (germline): Uncertain significance. Review status: criteria provided, multiple submitters, no conflicts (2 of 4 stars). 2 submissions from 2 submitters: Uncertain significance (2). Last evaluated 2025-05-04.

Conditions:
Inborn genetic diseases. Identifiers: MedGen C0950123, MeSH D030342.
Neurodevelopmental disorder with coarse facies and mild distal skeletal abnormalities. Also called: STOLERMAN NEURODEVELOPMENTAL SYNDROME. Identifiers: MedGen C5193134, MONDO:0032790, OMIM 618505.

Submissions (2):

Ambry Genetics
Classification: Uncertain significance for Inborn genetic diseases. Last evaluated: 2025-05-04. Review status: criteria provided, single submitter. Criteria: Ambry Variant Classification Scheme 2023. Collection method: clinical testing. Allele origin: germline.

Neuberg Centre For Genomic Medicine, NCGM
Classification: Uncertain significance for Neurodevelopmental disorder with coarse facies and mild distal skeletal abnormalities. Last evaluated: 2023-06-22. Review status: criteria provided, single submitter. Criteria: ACMG Guidelines, 2015. Collection method: clinical testing. Allele origin: germline. Inheritance: Autosomal dominant inheritance. Affected: yes.
Comment: The observed missense c.2422G>T p.Ala808Ser variant in KDM6B gene has not been reported previously as a pathogenic variant nor as a benign variant, to our knowledge. The p.Ala808Ser variant is absent in gnomAD Exomes. This variant has not been submitted to the ClinVar database. Multiple lines of computational evidence Polyphen - Probably Damaging, SIFT - Damaging and MutationTaster - Disease causing predict a damaging effect on protein structure and function for this variant. The reference amino acid of p.Ala808Ser in KDM6B is predicted as conserved by GERP++ and PhyloP across 100 vertebrates. The amino acid Ala at position 808 is changed to a Ser changing protein sequence and it might alter its composition and physico-chemical properties. For these reasons, this variant has been classified as a Variant of Uncertain Significance VUS.

NM_001348716.2(KDM6B):c.2422G>T (p.Ala808Ser)

Gene: KDM6B (lysine demethylase 6B; plus strand). Cytogenetic location: 17p13.1.
Variant type: single nucleotide variant.
Coding change: c.2422G>T on transcript NM_001348716.2 (MANE Select); coding-DNA position 2422, G replaced by T.
Protein change: p.Ala808Ser; replaces alanine 808 with serine.
Molecular consequence: missense variant.
Genome position (GRCh38, 1-based): chr17:7,848,710, G>T. VCF-style: chr17-7848710-G-T. GRCh37 (hg19) VCF-style: chr17-7752028-G-T.
Other names: c.2422G>T, p.Ala808Ser (NM_001080424.2); c.2422G>T (NM_001080424.1); short protein forms A808S.
Identifiers: ClinVar variation 3391324 (VCV003391324.2).